The following is an entry in ClinVar:

NM_000302.4(PLOD1):c.1651-2A>G

Gene: PLOD1 (procollagen-lysine,2-oxoglutarate 5-dioxygenase 1; plus strand). Cytogenetic location: 1p36.22.
Variant type: single nucleotide variant.
Coding change: c.1651-2A>G on transcript NM_000302.4 (MANE Select); the canonical splice acceptor site of the intron before coding-DNA position 1651, A replaced by G.
Molecular consequence: splice acceptor variant.
Genome position (GRCh38, 1-based): chr1:11,966,985, A>G. VCF-style: chr1-11966985-A-G. GRCh37 (hg19) VCF-style: chr1-12027042-A-G.
Other names: c.1792-2A>G (NM_001316320.2).
Identifiers: ClinVar variation 265507 (VCV000265507.26), dbSNP rs565513365, ClinGen allele CA598511.

ClinVar aggregate classification (germline): Pathogenic/Likely pathogenic. Review status: criteria provided, multiple submitters, no conflicts (2 of 4 stars). 9 submissions from 9 submitters: Pathogenic (4); Likely pathogenic (2). 3 of the submissions do not count toward it. Last evaluated 2026-01-08.

Conditions:
PLOD1-related disorder. Also called: PLOD1-related condition.
Familial thoracic aortic aneurysm and aortic dissection (TAAD). Also called: Thoracic aortic aneurysms and dissections. Identifiers: Orphanet 91387, MedGen C4707243, MONDO:0019625.
Ehlers-Danlos syndrome, kyphoscoliotic type 1 (EDSKSCL1). Also called: PLOD1-Related Kyphoscoliotic Ehlers-Danlos Syndrome; Ehlers-Danlos syndrome, hydroxylysine-deficient; EHLERS-DANLOS SYNDROME, TYPE VIA; EHLERS-DANLOS SYNDROME, OCULAR-SCOLIOTIC TYPE. Identifiers: Orphanet 1900, MedGen C0268342, MONDO:0016002, OMIM 225400. Disease mechanism: loss of function.

Allele frequency attached by ClinVar (database versions not stated): TOPMed 0.00001; ExAC 0.00002; gnomAD exomes 0.00003; gnomAD 0.00004.
gnomAD v4.1: 35 of 1,603,286 alleles (0.0022%); highest among the groups gnomAD compares: Non-Finnish European, 0.003%; no homozygotes.

Submissions (9):

Labcorp Genetics (formerly Invitae), Labcorp
Classification: Pathogenic for Ehlers-Danlos syndrome, kyphoscoliotic type 1. Last evaluated: 2026-01-08. Review status: criteria provided, single submitter. Criteria: Invitae Variant Classification Sherloc (09022015). Collection method: clinical testing. Allele origin: germline.
Comment: This sequence change affects an acceptor splice site in intron 15 of the PLOD1 gene. RNA analysis indicates that disruption of this splice site induces altered splicing and likely results in a shortened protein product. This variant is present in population databases (rs565513365, gnomAD 0.008%). Disruption of this splice site has been observed in individual(s) with Ehlers-Danlos syndrome, kyphoscoliotic form (PMID: 21699693). ClinVar contains an entry for this variant (Variation ID: 265507). Studies have shown that disruption of this splice site results in skipping of exon 16, but is expected to preserve the integrity of the reading-frame (PMID: 9450904). For these reasons, this variant has been classified as Pathogenic.

Women's Health and Genetics/Laboratory Corporation of America, LabCorp
Classification: Likely pathogenic for Ehlers-Danlos syndrome, kyphoscoliotic type 1. Last evaluated: 2024-03-12. Review status: criteria provided, single submitter. Criteria: LabCorp Variant Classification Summary - May 2015. Collection method: clinical testing. Allele origin: germline.
Comment: Variant summary: PLOD1 c.1651-2A>G is located in a canonical splice-site and is predicted to affect mRNA splicing resulting in a significantly altered protein due to either exon skipping, shortening, or inclusion of intronic material. Several computational tools predict a significant impact on normal splicing: Four predict the variant abolishes a 3' acceptor site. However, these predictions have yet to be confirmed by functional studies. The variant allele was found at a frequency of 3.2e-05 in 251380 control chromosomes (gnomAD). c.1651-2A>G has been reported in the literature in the homozygous state in an individual affected with Ehlers-Danlos Syndrome Type VI (Rohrbach_2011). These data indicate that the variant may be associated with disease. To our knowledge, no experimental evidence demonstrating an impact on protein function has been reported. The following publication has been ascertained in the context of this evaluation (PMID: 21699693). ClinVar contains an entry for this variant (Variation ID: 265507). Based on the evidence outlined above, the variant was classified as likely pathogenic.

Blueprint Genetics
Classification: Likely pathogenic for PLOD1-related disorders. Last evaluated: 2023-01-12. Review status: criteria provided, single submitter. Criteria: ACMG Guidelines, 2015. Collection method: clinical testing. Allele origin: germline. Affected: yes. Observed: 2 variant alleles.

GeneDx
Classification: Pathogenic. Last evaluated: 2022-09-01. Review status: criteria provided, single submitter. Criteria: GeneDx Variant Classification Process June 2021. Collection method: clinical testing. Allele origin: germline. Affected: yes.
Comment: Canonical splice site variant expected to result in aberrant splicing, although in the absence of functional evidence the actual effect of this sequence change is unknown.; Not observed at significant frequency in large population cohorts (gnomAD); This variant is associated with the following publications: (PMID: 25525159, 21699693)

ARUP Laboratories, Molecular Genetics and Genomics, ARUP Laboratories
Classification: Pathogenic for Ehlers-Danlos syndrome, kyphoscoliotic type 1. Last evaluated: 2019-02-20. Review status: criteria provided, single submitter. Criteria: ARUP Molecular Germline Variant Investigation Process. Collection method: clinical testing. Allele origin: germline.
Comment: The c.1651-2A>G variant has been previously identified in the homozygous state in an individual reported to be affected with kyphoscoliotic type Ehlers-Danlos syndrome (Rohrbach. 2011) This variant is found in the non-Finnish European allele frequency of 0.008 % (10/ 126,640 alleles) in the Genome Aggregation Database. This variant disrupts the canonical splice acceptor site of intron 15, which is likely to negatively impact gene function. Based on available information, this variant is considered to be pathogenic.

Ambry Genetics
Classification: Pathogenic for Familial thoracic aortic aneurysm and aortic dissection. Last evaluated: 2018-03-26. Review status: criteria provided, single submitter. Criteria: Ambry Variant Classification Scheme 2023. Collection method: clinical testing. Allele origin: germline.
Comment: The c.1651-2A>G intronic pathogenic mutation results from an A to G substitution two nucleotides upstream from coding exon 16 in the PLOD1 gene. This alteration has been reported as homozygous in a child with the autosomal recessive kyphoscoliotic type of Ehlers-Danlos syndrome (kEDS), which was previously described as EDS-VIA (Rohrbach M et al. Orphanet J Rare Dis, 2011 Jun;6:46). In addition to the clinical data presented in the literature, alterations that disrupt the canonical splice site are expected to cause aberrant splicing, resulting in an abnormal protein or a transcript that is subject to nonsense-mediated mRNA decay. As such, this alteration is classified as a disease-causing mutation.

Clinical Genetics DNA and cytogenetics Diagnostics Lab, Erasmus MC, Erasmus Medical Center
Classification: Likely pathogenic. Review status: no assertion criteria provided. Collection method: clinical testing. Allele origin: germline. Affected: yes. Study: VKGL Data-share Consensus. Not counted in ClinVar's aggregate classification.

Diagnostic Laboratory, Department of Genetics, University Medical Center Groningen
Classification: Pathogenic. Review status: no assertion criteria provided. Collection method: clinical testing. Allele origin: germline. Affected: yes. Study: VKGL Data-share Consensus. Not counted in ClinVar's aggregate classification.

Genome Diagnostics Laboratory, Amsterdam University Medical Center
Classification: Pathogenic. Review status: no assertion criteria provided. Collection method: clinical testing. Allele origin: germline. Affected: yes. Study: VKGL Data-share Consensus. Not counted in ClinVar's aggregate classification.

Literature cited by the submitters: PubMed 21699693 (cited by 3 submitters); PubMed 9450904 (cited by Labcorp Genetics (formerly Invitae), Labcorp).